The following is an entry in ClinVar:

NM_004385.5(VCAN):c.2296A>G (p.Met766Val)

Gene: VCAN (versican; plus strand). Cytogenetic location: 5q14.3.
Variant type: single nucleotide variant.
Coding change: c.2296A>G on transcript NM_004385.5 (MANE Select); coding-DNA position 2296, A replaced by G.
Protein change: p.Met766Val; replaces methionine 766 with valine.
Molecular consequence: missense variant. On other transcripts: intron variant (2).
Genome position (GRCh38, 1-based): chr5:83,520,602, A>G. VCF-style: chr5-83520602-A-G. GRCh37 (hg19) VCF-style: chr5-82816421-A-G.
Other names: c.2296A>G, p.Met766Val (NM_001164098.2); c.1042+8206A>G (NM_001164097.2, NM_001126336.3); c.2296A>G (NM_004385.4); short protein forms M766V.
Identifiers: ClinVar variation 1011021 (VCV001011021.10), dbSNP rs757255572, ClinGen allele CA3332823.
Genomic context (GRCh38, chr5:83,520,602, plus strand): 5'-TCTTTTGATTTCCCAACATTGATAACAAAGTTAAGTGCAGAGCCAACAGAAGTAAGAGAT[A>G]TGGAGGAAGACTTTACAGCAACTCCAGGTACTACAAAATATGATGAAAATATTACAACAG-3'
Protein context (NP_004376.2, residues 756-776): LSAEPTEVRD[Met766Val]EEDFTATPGT

ClinVar aggregate classification (germline): Conflicting classifications of pathogenicity. Review status: criteria provided, conflicting classifications (1 of 4 stars). 3 submissions from 3 submitters: Uncertain significance (2); Likely benign (1). Last evaluated 2026-01-20.

Conditions:
VCAN-related disorder. Also called: VCAN-related condition.

Allele frequency attached by ClinVar (database versions not stated): gnomAD exomes below 0.00001 and 0.00002; ExAC 0.00002; gnomAD 0.00009 and 0.00010; TOPMed 0.00014.
gnomAD v4.1: 21 of 1,613,946 alleles (0.0013%); highest among the groups gnomAD compares: African/African-American, 0.019%; no homozygotes.

Submissions (3):

PreventionGenetics, part of Exact Sciences
Classification: Uncertain significance for VCAN-related condition. Last evaluated: 2026-01-20. Review status: criteria provided, single submitter. Criteria: ACMG Guidelines, 2015. Collection method: clinical testing. Allele origin: germline.
Comment: The VCAN c.2296A>G variant is predicted to result in the amino acid substitution p.Met766Val. To our knowledge, this variant has not been reported in the literature. This variant is reported in 0.020% of alleles in individuals of African descent in gnomAD. Although we suspect that this variant may be benign, at this time, the clinical significance of this variant is uncertain due to the absence of conclusive functional and genetic evidence.

Labcorp Genetics (formerly Invitae), Labcorp
Classification: Uncertain significance. Last evaluated: 2024-04-12. Review status: criteria provided, single submitter. Criteria: Invitae Variant Classification Sherloc (09022015). Collection method: clinical testing. Allele origin: germline.
Comment: This sequence change replaces methionine, which is neutral and non-polar, with valine, which is neutral and non-polar, at codon 766 of the VCAN protein (p.Met766Val). This variant is present in population databases (rs757255572, gnomAD 0.02%). This missense change has been observed in individual(s) with clinical features of retinitis pigmentosa (Invitae). ClinVar contains an entry for this variant (Variation ID: 1011021). Algorithms developed to predict the effect of missense changes on protein structure and function output the following: SIFT: "Not Available"; PolyPhen-2: "Benign"; Align-GVGD: "Not Available". The valine amino acid residue is found in multiple mammalian species, which suggests that this missense change does not adversely affect protein function. In summary, the available evidence is currently insufficient to determine the role of this variant in disease. Therefore, it has been classified as a Variant of Uncertain Significance.

Blueprint Genetics
Classification: Likely benign. Last evaluated: 2019-10-11. Review status: criteria provided, single submitter. Criteria: ACMG Guidelines, 2015. Collection method: clinical testing. Allele origin: germline.